The following is an entry in ClinVar:

NM_001486.4(GCKR):c.354+1G>A

Gene: GCKR (glucokinase regulator; plus strand). Cytogenetic location: 2p23.3.
Variant type: single nucleotide variant.
Coding change: c.354+1G>A on transcript NM_001486.4 (MANE Select); the canonical splice donor site of the intron after coding-DNA position 354, G replaced by A.
Molecular consequence: splice donor variant.
Genome position (GRCh38, 1-based): chr2:27,498,324, G>A. VCF-style: chr2-27498324-G-A. GRCh37 (hg19) VCF-style: chr2-27721191-G-A.
Identifiers: ClinVar variation 3623248 (VCV003623248.2).

ClinVar aggregate classification (germline): Uncertain significance (1 of 4 stars; one submission).

gnomAD v4.1: 30 of 1,609,444 alleles (0.0019%); highest among the groups gnomAD compares: East Asian, 0.062%; no homozygotes.

Submission:

Labcorp Genetics (formerly Invitae), Labcorp
Classification: Uncertain significance. Last evaluated: 2024-08-04. Review status: criteria provided, single submitter. Criteria: Invitae Variant Classification Sherloc (09022015). Collection method: clinical testing. Allele origin: germline.
Comment: This sequence change affects a donor splice site in intron 4 of the GCKR gene. It is expected to disrupt RNA splicing. Variants that disrupt the donor or acceptor splice site typically lead to a loss of protein function (PMID: 16199547), however the current clinical and genetic evidence is not sufficient to establish whether loss-of-function variants in GCKR cause disease. This variant is present in population databases (rs2293573, gnomAD 0.006%). Disruption of this splice site has been observed in individual(s) with clinical features of GCKR-related conditions (PMID: 36325899). Algorithms developed to predict the effect of sequence changes on RNA splicing suggest that this variant may disrupt the consensus splice site. In summary, the available evidence is currently insufficient to determine the role of this variant in disease. Therefore, it has been classified as a Variant of Uncertain Significance.

Literature cited by the submitters: PubMed 16199547; PubMed 36325899.